The following is an entry in ClinVar:

NM_024926.4(IFT56):c.1267A>G (p.Lys423Glu)

Gene: IFT56 (intraflagellar transport 56; plus strand). Cytogenetic location: 7q34.
Variant type: single nucleotide variant.
Coding change: c.1267A>G on transcript NM_024926.4 (MANE Select); coding-DNA position 1267, A replaced by G.
Protein change: p.Lys423Glu; replaces lysine 423 with glutamic acid.
Molecular consequence: missense variant.
Genome position (GRCh38, 1-based): chr7:139,179,598, A>G. VCF-style: chr7-139179598-A-G. GRCh37 (hg19) VCF-style: chr7-138864344-A-G.
Other names: c.1267A>G, p.Lys423Glu (NM_001144920.3); c.1174A>G, p.Lys392Glu (NM_001144923.3); c.874A>G, p.Lys292Glu (NM_001287512.2); c.952A>G, p.Lys318Glu (NM_001287513.2); c.847A>G, p.Lys283Glu (NM_001318333.2); c.1237A>G, p.Lys413Glu (NM_001321740.2); c.949A>G, p.Lys317Glu (NM_001321741.2); short protein forms K283E, K317E, K413E, K318E, K392E, K292E, K423E.
Identifiers: ClinVar variation 1919741 (VCV001919741.4), dbSNP rs758644080, ClinGen allele CA4508418.

ClinVar aggregate classification (germline): Uncertain significance (1 of 4 stars; one submission).

Allele frequency attached by ClinVar (database versions not stated): ExAC 0.00001; gnomAD 0.00001; gnomAD exomes 0.00001; TOPMed 0.00002.
gnomAD v4.1: 14 of 1,613,944 alleles (0.00087%); highest among the groups gnomAD compares: Non-Finnish European, 0.0012%; no homozygotes.

Submission:

Labcorp Genetics (formerly Invitae), Labcorp
Classification: Uncertain significance. Last evaluated: 2022-04-29. Review status: criteria provided, single submitter. Criteria: Invitae Variant Classification Sherloc (09022015). Collection method: clinical testing. Allele origin: germline.
Comment: In summary, the available evidence is currently insufficient to determine the role of this variant in disease. Therefore, it has been classified as a Variant of Uncertain Significance. This variant is present in population databases (rs758644080, gnomAD 0.0009%). This variant has not been reported in the literature in individuals affected with TTC26-related conditions. Algorithms developed to predict the effect of missense changes on protein structure and function (SIFT, PolyPhen-2, Align-GVGD) all suggest that this variant is likely to be tolerated. This sequence change replaces lysine, which is basic and polar, with glutamic acid, which is acidic and polar, at codon 423 of the TTC26 protein (p.Lys423Glu).